The following is an entry in ClinVar:

ClinVar aggregate classification (germline): Likely benign (1 of 4 stars; one submission).

Conditions:
COL4A2-related disorder. Also called: COL4A2-related disorders; COL4A2-related condition.

Allele frequency attached by ClinVar (database versions not stated): TOPMed below 0.00001; gnomAD 0.00001.
gnomAD v4.1: 9 of 1,551,500 alleles (0.00058%); highest among the groups gnomAD compares: Middle Eastern, 0.033%; no homozygotes.

Submission:

PreventionGenetics, part of Exact Sciences
Classification: Likely benign for COL4A2-related condition. Last evaluated: 2025-08-12. Review status: criteria provided, single submitter. Criteria: ACMG Guidelines, 2015. Collection method: clinical testing. Allele origin: germline.
Comment: This variant is classified as likely benign based on ACMG/AMP sequence variant interpretation guidelines (Richards et al. 2015 PMID: 25741868, with internal and published modifications).

NM_001846.4(COL4A2):c.3562+5G>A

Gene: COL4A2 (collagen type IV alpha 2 chain; plus strand). Cytogenetic location: 13q34.
Variant type: single nucleotide variant.
Coding change: c.3562+5G>A on transcript NM_001846.4 (MANE Select); 5 bases into the intron after coding-DNA position 3562, G replaced by A.
Molecular consequence: intron variant.
Genome position (GRCh38, 1-based): chr13:110,492,182, G>A. VCF-style: chr13-110492182-G-A. GRCh37 (hg19) VCF-style: chr13-111144529-G-A.
Identifiers: ClinVar variation 2629495 (VCV002629495.2), dbSNP rs1161835159, ClinGen allele CA484793977.